The following is an entry in ClinVar:

NM_001270508.2(TNFAIP3):c.2096G>A (p.Ser699Asn)

Gene: TNFAIP3 (TNF alpha induced protein 3; plus strand). Cytogenetic location: 6q23.3.
Variant type: single nucleotide variant.
Coding change: c.2096G>A on transcript NM_001270508.2 (MANE Select); coding-DNA position 2096, G replaced by A.
Protein change: p.Ser699Asn; replaces serine 699 with asparagine.
Molecular consequence: missense variant.
Genome position (GRCh38, 1-based): chr6:137,881,042, G>A. VCF-style: chr6-137881042-G-A. GRCh37 (hg19) VCF-style: chr6-138202179-G-A.
Other names: c.2096G>A, p.Ser699Asn (NM_001270507.2, NM_006290.4); c.2096G>A (NM_006290.2); short protein forms S699N.
Identifiers: ClinVar variation 2791409 (VCV002791409.4), dbSNP rs986729047, ClinGen allele CA148265438.

ClinVar aggregate classification (germline): Uncertain significance. Review status: criteria provided, multiple submitters, no conflicts (2 of 4 stars). 2 submissions from 2 submitters: Uncertain significance (2). Last evaluated 2025-04-20.

Conditions:
Inborn genetic diseases. Identifiers: MedGen C0950123, MeSH D030342.

Allele frequency attached by ClinVar (database versions not stated): gnomAD 0.00002.

Submissions (2):

Ambry Genetics
Classification: Uncertain significance for Inborn genetic diseases. Last evaluated: 2025-04-20. Review status: criteria provided, single submitter. Criteria: Ambry Variant Classification Scheme 2023. Collection method: clinical testing. Allele origin: germline.

Labcorp Genetics (formerly Invitae), Labcorp
Classification: Uncertain significance. Last evaluated: 2023-02-20. Review status: criteria provided, single submitter. Criteria: Invitae Variant Classification Sherloc (09022015). Collection method: clinical testing. Allele origin: germline.
Comment: In summary, the available evidence is currently insufficient to determine the role of this variant in disease. Therefore, it has been classified as a Variant of Uncertain Significance. An algorithm developed to predict the effect of missense changes on protein structure and function (PolyPhen-2) suggests that this variant is likely to be tolerated. This variant has not been reported in the literature in individuals affected with TNFAIP3-related conditions. This variant is present in population databases (no rsID available, gnomAD 0.01%). This sequence change replaces serine, which is neutral and polar, with asparagine, which is neutral and polar, at codon 699 of the TNFAIP3 protein (p.Ser699Asn).